The following is an entry in ClinVar:

ClinVar aggregate classification (germline): Uncertain significance (1 of 4 stars; one submission).

Conditions:
CHARGE syndrome (CHARGE). Also called: Hittner Hirsch Kreh syndrome; CHARGE ASSOCIATION--COLOBOMA, HEART ANOMALY, CHOANAL ATRESIA, RETARDATION, GENITAL AND EAR ANOMALIES; Coloboma, heart anomaly, choanal atresia, retardation, genital and ear anomalies; CHARGE association; Hall-Hittner syndrome. Identifiers: Orphanet 138, MedGen C0265354, MONDO:0008965.

Submission:

Labcorp Genetics (formerly Invitae), Labcorp
Classification: Uncertain significance for CHARGE syndrome. Last evaluated: 2024-08-12. Review status: criteria provided, single submitter. Criteria: Invitae Variant Classification Sherloc (09022015). Collection method: clinical testing. Allele origin: germline.
Comment: This sequence change replaces threonine, which is neutral and polar, with proline, which is neutral and non-polar, at codon 1005 of the CHD7 protein (p.Thr1005Pro). This variant is not present in population databases (gnomAD no frequency). This variant has not been reported in the literature in individuals affected with CHD7-related conditions. Advanced modeling of protein sequence and biophysical properties (such as structural, functional, and spatial information, amino acid conservation, physicochemical variation, residue mobility, and thermodynamic stability) performed at Invitae indicates that this missense variant is expected to disrupt CHD7 protein function with a positive predictive value of 95%. In summary, the available evidence is currently insufficient to determine the role of this variant in disease. Therefore, it has been classified as a Variant of Uncertain Significance.

NM_017780.4(CHD7):c.3013A>C (p.Thr1005Pro)

Gene: CHD7 (chromodomain helicase DNA binding protein 7; plus strand). Cytogenetic location: 8q12.2.
Variant type: single nucleotide variant.
Coding change: c.3013A>C on transcript NM_017780.4 (MANE Select); coding-DNA position 3013, A replaced by C.
Protein change: p.Thr1005Pro; replaces threonine 1005 with proline.
Molecular consequence: missense variant. On other transcripts: intron variant (1).
Genome position (GRCh38, 1-based): chr8:60,822,558, A>C. VCF-style: chr8-60822558-A-C. GRCh37 (hg19) VCF-style: chr8-61735117-A-C.
Other names: c.1717-39671A>C (NM_001316690.1); short protein forms T1005P.
Identifiers: ClinVar variation 3662113 (VCV003662113.2).